The following is an entry in ClinVar:

ClinVar aggregate classification (germline): Pathogenic (1 of 4 stars; one submission).

Conditions:
Duchenne muscular dystrophy (DMD). Also called: Duchenne Muscular Dystrophy (DMD); MUSCULAR DYSTROPHY, PSEUDOHYPERTROPHIC PROGRESSIVE, DUCHENNE TYPE. Identifiers: Orphanet 98896, MedGen C0013264, MONDO:0010679, OMIM 310200.

Submission:

Labcorp Genetics (formerly Invitae), Labcorp
Classification: Pathogenic for Duchenne muscular dystrophy. Last evaluated: 2022-06-14. Review status: criteria provided, single submitter. Criteria: Invitae Variant Classification Sherloc (09022015). Collection method: clinical testing. Allele origin: germline.
Comment: This variant is a gross deletion of the genomic region encompassing exon(s) 6-11 of the DMD gene. This deletion is out-of-frame, and is expected to create a premature termination codon and result in an absent or disrupted protein product. Loss-of-function variants in DMD are known to be pathogenic (PMID: 16770791, 25007885). This variant has not been reported in the literature in individuals affected with DMD-related conditions. For these reasons, this variant has been classified as Pathogenic.

Literature cited by the submitters: PubMed 16770791; PubMed 25007885.

NC_000023.10:g.(?_32662229)_(32834777_?)del

Gene: DMD (dystrophin; minus strand). Cytogenetic location: Xp21.1.
Variant type: Deletion.
Identifiers: ClinVar variation 2424845 (VCV002424845.4).